The following is an entry in ClinVar:

NM_182758.4(WDR72):c.1576G>A (p.Gly526Ser)

Gene: WDR72 (WD repeat domain 72; minus strand). Cytogenetic location: 15q21.3.
Variant type: single nucleotide variant.
Coding change: c.1576G>A on transcript NM_182758.4 (MANE Select); coding-DNA position 1576, G replaced by A.
Protein change: p.Gly526Ser; replaces glycine 526 with serine.
Molecular consequence: missense variant. On other transcripts: non-coding transcript variant (1).
Genome position (GRCh38, 1-based): chr15:53,699,939, C>T on the plus strand (G>A on the coding strand, the complement: WDR72 is on the minus strand). VCF-style: chr15-53699939-C-T. GRCh37 (hg19) VCF-style: chr15-53992136-C-T.
Other names: short protein forms G526S.
Identifiers: ClinVar variation 5009133 (VCV005009133.1).
Genomic context (GRCh38, chr15:53,699,939, plus strand): 5'-CCTCAAGGTGAAGGAGAGCCACGGAATGGTCACCGCACACACAGCAAATTATCTGCTCAC[C>T]CCTTAGCTGTGAAAAAACAACATGCTTATGTAAGTAAATAGTCAAATGCTTTCTTTATGA-3'
Protein context (NP_877435.3, residues 516-536): LMSPEKFKLR[Gly526Ser]EQIICCVCGD

ClinVar aggregate classification (germline): Uncertain significance (1 of 4 stars; one submission).

gnomAD v4.1: 7 of 1,614,138 alleles (0.00043%); highest among the groups gnomAD compares: Non-Finnish European, 0.00059%; no homozygotes.

Submission:

GeneDx
Classification: Uncertain significance. Last evaluated: 2026-03-13. Review status: criteria provided, single submitter. Criteria: GeneDx Variant Classification Process June 2021. Collection method: clinical testing. Allele origin: germline.
Comment: Not observed at significant frequency in large population cohorts (gnomAD); In silico analysis suggests that this missense variant does not alter protein structure/function; Has not been previously published as pathogenic or benign to our knowledge